The following is an entry in ClinVar:

ClinVar aggregate classification (germline): Conflicting classifications of pathogenicity. Review status: criteria provided, conflicting classifications (1 of 4 stars). 3 submissions from 3 submitters: Uncertain significance (1); Benign (1); Likely benign (1). Last evaluated 2025-12-17.

Conditions:
CREBBP-related disorder. Also called: CREBBP-related condition; CREBBP-related disorders.
Rubinstein-Taybi syndrome (RSTS). Identifiers: Orphanet 783, MedGen C0035934, MONDO:0019188.

Allele frequency attached by ClinVar (database versions not stated): TOPMed 0.00002; gnomAD 0.00004.
gnomAD v4.1: 106 of 1,613,690 alleles (0.0066%); highest among the groups gnomAD compares: Non-Finnish European, 0.0086%; no homozygotes.

Submissions (3):

Labcorp Genetics (formerly Invitae), Labcorp
Classification: Benign for Rubinstein-Taybi syndrome. Last evaluated: 2025-12-17. Review status: criteria provided, single submitter. Criteria: Invitae Variant Classification Sherloc (09022015). Collection method: clinical testing. Allele origin: germline.

PreventionGenetics, part of Exact Sciences
Classification: Uncertain significance for CREBBP-related condition. Last evaluated: 2025-08-25. Review status: criteria provided, single submitter. Criteria: ACMG Guidelines, 2015. Collection method: clinical testing. Allele origin: germline.
Comment: The CREBBP c.1565A>G variant is predicted to result in the amino acid substitution p.Asn522Ser. To our knowledge, this variant has not been reported in the literature. This variant is reported in 0.0040% of alleles in individuals of African descent in gnomAD. At this time, the clinical significance of this variant is uncertain due to the absence of conclusive functional and genetic evidence.

CeGaT Center for Human Genetics Tuebingen
Classification: Likely benign. Last evaluated: 2024-10-01. Review status: criteria provided, single submitter. Criteria: CeGaT Center For Human Genetics Tuebingen Variant Classification Criteria Version 2. Collection method: clinical testing. Allele origin: germline. Affected: yes. Observed: 1 variant allele.
Comment: CREBBP: BP4

NM_004380.3(CREBBP):c.1565A>G (p.Asn522Ser)

Gene: CREBBP (CREB binding lysine acetyltransferase; minus strand). Cytogenetic location: 16p13.3.
Variant type: single nucleotide variant.
Coding change: c.1565A>G on transcript NM_004380.3 (MANE Select); coding-DNA position 1565, A replaced by G.
Protein change: p.Asn522Ser; replaces asparagine 522 with serine.
Molecular consequence: missense variant.
Genome position (GRCh38, 1-based): chr16:3,782,692, T>C on the plus strand (A>G on the coding strand, the complement: CREBBP is on the minus strand). VCF-style: chr16-3782692-T-C. GRCh37 (hg19) VCF-style: chr16-3832693-T-C.
Other names: c.1451A>G, p.Asn484Ser (NM_001079846.1); c.1565A>G (NM_004380.2); short protein forms N484S, N522S.
Identifiers: ClinVar variation 2027947 (VCV002027947.20), dbSNP rs61754521, ClinGen allele CA276976967.